The following is an entry in ClinVar:

NM_001458.5(FLNC):c.1936G>C (p.Asp646His)

Gene: FLNC (filamin C; plus strand). Cytogenetic location: 7q32.1.
Variant type: single nucleotide variant.
Coding change: c.1936G>C on transcript NM_001458.5 (MANE Select); coding-DNA position 1936, G replaced by C.
Protein change: p.Asp646His; replaces aspartic acid 646 with histidine.
Molecular consequence: missense variant.
Genome position (GRCh38, 1-based): chr7:128,841,292, G>C. VCF-style: chr7-128841292-G-C. GRCh37 (hg19) VCF-style: chr7-128481346-G-C.
Other names: c.1936G>C, p.Asp646His (NM_001127487.2); short protein forms D646H.
Identifiers: ClinVar variation 430130 (VCV000430130.5), dbSNP rs372668691, ClinGen allele CA4474534.

ClinVar aggregate classification (germline): Uncertain significance. Review status: criteria provided, multiple submitters, no conflicts (2 of 4 stars). 3 submissions from 3 submitters: Uncertain significance (3). Last evaluated 2024-04-22.

Conditions:
Cardiovascular phenotype. Identifiers: MedGen CN230736.
Myofibrillar myopathy 5. Also called: Filaminopathy (type); FILAMINOPATHY, AUTOSOMAL DOMINANT. Identifiers: Orphanet 171445, MedGen C1836050, MONDO:0012289, OMIM 609524.
Distal myopathy with posterior leg and anterior hand involvement. Also called: WILLIAMS DISTAL MYOPATHY. Identifiers: Orphanet 63273, MedGen C3279722, MONDO:0013550, OMIM 614065.
Hypertrophic cardiomyopathy 26. Also called: Cardiomyopathy, familial hypertrophic, 26. Identifiers: Orphanet 75249, MedGen C4310749, MONDO:0014883, OMIM 617047.

Allele frequency attached by ClinVar (database versions not stated): TOPMed 0.00002.
gnomAD v4.1: 8 of 1,613,960 alleles (0.0005%); highest among the groups gnomAD compares: Non-Finnish European, 0.00068%; no homozygotes.

Submissions (3):

Labcorp Genetics (formerly Invitae), Labcorp
Classification: Uncertain significance for Distal myopathy with posterior leg and anterior hand involvement; Myofibrillar myopathy 5; Hypertrophic cardiomyopathy 26. Last evaluated: 2024-04-22. Review status: criteria provided, single submitter. Criteria: Invitae Variant Classification Sherloc (09022015). Collection method: clinical testing. Allele origin: germline.
Comment: This sequence change replaces aspartic acid, which is acidic and polar, with histidine, which is basic and polar, at codon 646 of the FLNC protein (p.Asp646His). This variant is present in population databases (rs372668691, gnomAD 0.002%). This variant has not been reported in the literature in individuals affected with FLNC-related conditions. ClinVar contains an entry for this variant (Variation ID: 430130). Advanced modeling of protein sequence and biophysical properties (such as structural, functional, and spatial information, amino acid conservation, physicochemical variation, residue mobility, and thermodynamic stability) has been performed at Invitae for this missense variant, however the output from this modeling did not meet the statistical confidence thresholds required to predict the impact of this variant on FLNC protein function. In summary, the available evidence is currently insufficient to determine the role of this variant in disease. Therefore, it has been classified as a Variant of Uncertain Significance.

Ambry Genetics
Classification: Uncertain significance for Cardiovascular phenotype. Last evaluated: 2022-11-15. Review status: criteria provided, single submitter. Criteria: Ambry Variant Classification Scheme 2023. Collection method: clinical testing. Allele origin: germline.
Comment: The p.D646H variant (also known as c.1936G>C), located in coding exon 12 of the FLNC gene, results from a G to C substitution at nucleotide position 1936. The aspartic acid at codon 646 is replaced by histidine, an amino acid with similar properties. This alteration has been reported in a cohort of subjects with neurological disorders (Ganapathy A et al. J Neurol, 2019 Aug;266:1919-1926). This amino acid position is well conserved in available vertebrate species. In addition, this alteration is predicted to be deleterious by in silico analysis. Since supporting evidence is limited at this time, the clinical significance of this alteration remains unclear.

GeneDx
Classification: Uncertain significance. Last evaluated: 2018-11-20. Review status: criteria provided, single submitter. Criteria: GeneDx Variant Classification (06012015). Collection method: clinical testing. Allele origin: germline. Affected: yes.
Comment: A variant of uncertain significance has been identified in the FLNC gene. The D646H variant has not been published as a pathogenic variant, nor has it been reported as a benign variant to our knowledge. The D646H variant is observed in 1/66,690 alleles from individuals of European background (Lek et al., 2016; 1000 Genomes Consortium et al., 2015; Exome Variant Server). The D646H variant is a non-conservative amino acid substitution, which is likely to impact secondary protein structure as these residues differ in polarity, charge, size and/or other properties. This substitution occurs at a position that is conserved across species, and in silico analysis predicts this variant is probably damaging to the protein structure/function. However, missense variants in nearby residues have not been reported in the Human Gene Mutation Database in association with FLNC-related disorders (Stenson et al., 2014). Therefore, based on the currently available information, it is unclear whether this variant is a pathogenic variant or a rare benign variant.

Literature cited by the submitters: PubMed 31069529 (cited by Ambry Genetics).